The following is an entry in ClinVar:

NM_000077.5(CDKN2A):c.40G>T (p.Asp14Tyr)

Gene: CDKN2A (cyclin dependent kinase inhibitor 2A; minus strand). Cytogenetic location: 9p21.3.
Variant type: single nucleotide variant.
Coding change: c.40G>T on transcript NM_000077.5; coding-DNA position 40, G replaced by T.
Protein change: p.Asp14Tyr; replaces aspartic acid 14 with tyrosine.
Molecular consequence: missense variant (on NM_000077.6). On other transcripts: intron variant (2).
Genome position (GRCh38, 1-based): chr9:21,974,788, C>A on the plus strand (G>T on the coding strand, the complement: CDKN2A is on the minus strand). VCF-style: chr9-21974788-C-A. GRCh37 (hg19) VCF-style: chr9-21974787-C-A.
Other names: c.40G>T, p.Asp14Tyr (NM_000077.6, NM_001195132.2, NM_058197.5); c.-3-3580G>T (NM_001363763.2); c.194-3580G>T (NM_058195.4); short protein forms D14Y.
Identifiers: ClinVar variation 3663705 (VCV003663705.2).

ClinVar aggregate classification (germline): Uncertain significance (1 of 4 stars; one submission).

Conditions:
Familial melanoma. Also called: Hereditary melanoma; Hereditary cutaneous melanoma. Identifiers: Orphanet 618, MedGen C1512419, MONDO:0018961.

Submission:

Labcorp Genetics (formerly Invitae), Labcorp
Classification: Uncertain significance for Familial melanoma. Last evaluated: 2024-08-28. Review status: criteria provided, single submitter. Criteria: Invitae Variant Classification Sherloc (09022015). Collection method: clinical testing. Allele origin: germline.
Comment: This sequence change replaces aspartic acid, which is acidic and polar, with tyrosine, which is neutral and polar, at codon 14 of the CDKN2A (p16INK4a) protein (p.Asp14Tyr). This variant is not present in population databases (gnomAD no frequency). This variant has not been reported in the literature in individuals affected with CDKN2A (p16INK4a)-related conditions. An algorithm developed to predict the effect of missense changes on protein structure and function (PolyPhen-2) suggests that this variant is likely to be disruptive. In summary, the available evidence is currently insufficient to determine the role of this variant in disease. Therefore, it has been classified as a Variant of Uncertain Significance.